The following is an entry in ClinVar:

NM_001291867.2(NHS):c.4259T>A (p.Leu1420His)

Gene: NHS (NHS actin remodeling regulator; plus strand). Cytogenetic location: Xp22.13.
Variant type: single nucleotide variant.
Coding change: c.4259T>A on transcript NM_001291867.2 (MANE Select); coding-DNA position 4259, T replaced by A.
Protein change: p.Leu1420His; replaces leucine 1420 with histidine.
Molecular consequence: missense variant.
Genome position (GRCh38, 1-based): chrX:17,728,685, T>A. VCF-style: chrX-17728685-T-A. GRCh37 (hg19) VCF-style: chrX-17746805-T-A.
Other names: c.3728T>A, p.Leu1243His (NM_001136024.4); c.3665T>A, p.Leu1222His (NM_001291868.2); c.4196T>A, p.Leu1399His (NM_198270.4); short protein forms L1399H, L1222H, L1243H, L1420H.
Identifiers: ClinVar variation 393027 (VCV000393027.2), dbSNP rs1057524747, ClinGen allele CA16609160.

ClinVar aggregate classification (germline): Uncertain significance (1 of 4 stars; one submission).

Allele frequency attached by ClinVar (database versions not stated): gnomAD exomes below 0.00001.
gnomAD v4.1: 1 of 1,210,104 alleles (0.000083%); highest among the groups gnomAD compares: Non-Finnish European, 0.00011%; no homozygotes.

Submission:

GeneDx
Classification: Uncertain significance. Last evaluated: 2017-01-24. Review status: criteria provided, single submitter. Criteria: GeneDx Variant Classification (06012015). Collection method: clinical testing. Allele origin: germline. Affected: yes.
Comment: The L1399H variant in the NHS gene has not been reported previously as a pathogenic variant, nor as a benign variant, to our knowledge. The L1399H variant was not observed in approximately 6500 individuals of European and African American ancestry in the NHLBI Exome Sequencing Project, indicating it is not a common benign variant in these populations. The L1399H variant is a non-conservative amino acid substitution, which is likely to impact secondary protein structure as these residues differ in polarity, charge, size and/or other properties. This substitution occurs at a position where amino acids with similar properties to Leucine are tolerated across species. In silico analysis is inconsistent in its predictions as to whether or not the variant is damaging to the protein structure/function. We interpret L1399H as a variant of uncertain significance.